The following is an entry in ClinVar:

ClinVar aggregate classification (germline): Uncertain significance (1 of 4 stars; one submission).

Conditions:
Werner syndrome (WRN). Identifiers: Orphanet 902, MedGen C0043119, MONDO:0010196, OMIM 277700.

Submission:

Labcorp Genetics (formerly Invitae), Labcorp
Classification: Uncertain significance for Werner syndrome. Last evaluated: 2022-03-20. Review status: criteria provided, single submitter. Criteria: Invitae Variant Classification Sherloc (09022015). Collection method: clinical testing. Allele origin: germline.
Comment: This sequence change replaces lysine, which is basic and polar, with arginine, which is basic and polar, at codon 1424 of the WRN protein (p.Lys1424Arg). This variant is not present in population databases (gnomAD no frequency). This variant has not been reported in the literature in individuals affected with WRN-related conditions. Algorithms developed to predict the effect of missense changes on protein structure and function output the following: SIFT: "Not Available"; PolyPhen-2: "Benign"; Align-GVGD: "Not Available". The arginine amino acid residue is found in multiple mammalian species, which suggests that this missense change does not adversely affect protein function. In summary, the available evidence is currently insufficient to determine the role of this variant in disease. Therefore, it has been classified as a Variant of Uncertain Significance.

NM_000553.6(WRN):c.4271A>G (p.Lys1424Arg)

Genes: WRN (WRN RecQ like helicase; plus strand), LOC126860342 (MED14-independent group 3 enhancer GRCh37_chr8:31029565-31030764; plus strand). Cytogenetic location: 8p12.
Variant type: single nucleotide variant.
Coding change: c.4271A>G on transcript NM_000553.6 (MANE Select); coding-DNA position 4271, A replaced by G.
Protein change: p.Lys1424Arg; replaces lysine 1424 with arginine.
Molecular consequence: missense variant.
Genome position (GRCh38, 1-based): chr8:31,173,074, A>G. VCF-style: chr8-31173074-A-G. GRCh37 (hg19) VCF-style: chr8-31030590-A-G.
Other names: short protein forms K1424R.
Identifiers: ClinVar variation 2115076 (VCV002115076.1), dbSNP rs2536089359, ClinGen allele CA370911858.